The following is an entry in ClinVar:

ClinVar aggregate classification (germline): Uncertain significance. Review status: criteria provided, multiple submitters, no conflicts (2 of 4 stars). 2 submissions from 2 submitters: Uncertain significance (2). Last evaluated 2025-06-22.

Conditions:
Distal myopathy with posterior leg and anterior hand involvement. Also called: WILLIAMS DISTAL MYOPATHY. Identifiers: Orphanet 63273, MedGen C3279722, MONDO:0013550, OMIM 614065.
Hypertrophic cardiomyopathy 26. Also called: Cardiomyopathy, familial hypertrophic, 26. Identifiers: Orphanet 75249, MedGen C4310749, MONDO:0014883, OMIM 617047.
Myofibrillar myopathy 5. Also called: Filaminopathy (type); FILAMINOPATHY, AUTOSOMAL DOMINANT. Identifiers: Orphanet 171445, MedGen C1836050, MONDO:0012289, OMIM 609524.
Cardiovascular phenotype. Identifiers: MedGen CN230736.

Allele frequency attached by ClinVar (database versions not stated): gnomAD exomes below 0.00001 and 0.00001; gnomAD 0.00001.

Submissions (2):

Labcorp Genetics (formerly Invitae), Labcorp
Classification: Uncertain significance for Distal myopathy with posterior leg and anterior hand involvement; Myofibrillar myopathy 5; Hypertrophic cardiomyopathy 26. Last evaluated: 2025-06-22. Review status: criteria provided, single submitter. Criteria: Invitae Variant Classification Sherloc (09022015). Collection method: clinical testing. Allele origin: germline.
Comment: This sequence change replaces glycine, which is neutral and non-polar, with serine, which is neutral and polar, at codon 724 of the FLNC protein (p.Gly724Ser). This variant is present in population databases (rs764774528, gnomAD 0.0009%). This missense change has been observed in individual(s) with hypertrophic cardiomyopathy (PMID: 30411535). ClinVar contains an entry for this variant (Variation ID: 1410230). Invitae Evidence Modeling of protein sequence and biophysical properties (such as structural, functional, and spatial information, amino acid conservation, physicochemical variation, residue mobility, and thermodynamic stability) has been performed for this missense variant. However, the output from this modeling did not meet the statistical confidence thresholds required to predict the impact of this variant on FLNC protein function. In summary, the available evidence is currently insufficient to determine the role of this variant in disease. Therefore, it has been classified as a Variant of Uncertain Significance.

Ambry Genetics
Classification: Uncertain significance for Cardiovascular phenotype. Last evaluated: 2022-04-18. Review status: criteria provided, single submitter. Criteria: Ambry Variant Classification Scheme 2023. Collection method: clinical testing. Allele origin: germline.
Comment: The p.G724S variant (also known as c.2170G>A), located in coding exon 14 of the FLNC gene, results from a G to A substitution at nucleotide position 2170. The glycine at codon 724 is replaced by serine, an amino acid with similar properties. This alteration has been reported in a hypertrophic cardiomyopathy (HCM) cohort (Cui H et al. Mol Genet Genomic Med, 2018 11;6:1104-1113). This amino acid position is well conserved in available vertebrate species. In addition, the in silico prediction for this alteration is inconclusive. Since supporting evidence is limited at this time, the clinical significance of this alteration remains unclear.

Literature cited by the submitters: PubMed 30411535 (cited by Labcorp Genetics (formerly Invitae), Labcorp and Ambry Genetics).

NM_001458.5(FLNC):c.2170G>A (p.Gly724Ser)

Gene: FLNC (filamin C; plus strand). Cytogenetic location: 7q32.1.
Variant type: single nucleotide variant.
Coding change: c.2170G>A on transcript NM_001458.5 (MANE Select); coding-DNA position 2170, G replaced by A.
Protein change: p.Gly724Ser; replaces glycine 724 with serine.
Molecular consequence: missense variant.
Genome position (GRCh38, 1-based): chr7:128,842,279, G>A. VCF-style: chr7-128842279-G-A. GRCh37 (hg19) VCF-style: chr7-128482333-G-A.
Other names: c.2170G>A, p.Gly724Ser (NM_001127487.2); short protein forms G724S.
Identifiers: ClinVar variation 1410230 (VCV001410230.7), dbSNP rs764774528, ClinGen allele CA4474629.